The following is an entry in ClinVar:

NM_000286.3(PEX12):c.669del (p.Gln223fs)

Gene: PEX12 (peroxisomal biogenesis factor 12; minus strand). Cytogenetic location: 17q12.
Variant type: Deletion.
Coding change: c.669del on transcript NM_000286.3 (MANE Select); coding-DNA position 669, one base deleted (A; older notation c.669delA).
Protein change: p.Gln223fs; shifts the reading frame from glutamine 223.
Molecular consequence: frameshift variant.
Genome position (GRCh38, 1-based): chr17:35,577,049, T deleted on the plus strand (A on the coding strand, the reverse complement: PEX12 is on the minus strand); the first of 2 consecutive T bases (chr17:35,577,049-35,577,050); deleting either gives the same sequence. VCF-style (leftmost placement, unchanged base first): chr17-35577048-GT-G. GRCh37 (hg19) VCF-style: chr17-33904067-GT-G.
Other names: short protein forms Q223fs.
Identifiers: ClinVar variation 2000167 (VCV002000167.4), dbSNP rs2509169504, ClinGen allele CA2580093588.
Genomic context (GRCh38, chr17:35,577,048, plus strand): 5'-GATTTTCGAATTTACTAACTAAAGATCTTTTGGAAATGTTAAGGCCTTACCTCCTGGCTG[GT>G]TGCTGCATCATGCTGGCCTTAGCTGGTTTGTGCTCCAGAGCTTGTATATCCTGAACTGTC-3'

ClinVar aggregate classification (germline): Pathogenic (1 of 4 stars; one submission).

Conditions:
Peroxisome biogenesis disorder 3A (Zellweger). Also called: PEROXISOMAL BIOGENESIS DISORDER 3A (ZELLWEGER); Peroxisome biogenesis disorder 3A. Identifiers: Orphanet 912, MedGen C3553929, MONDO:0013927, OMIM 614859.

Submission:

Labcorp Genetics (formerly Invitae), Labcorp
Classification: Pathogenic for Peroxisome biogenesis disorder 3A (Zellweger). Last evaluated: 2022-05-28. Review status: criteria provided, single submitter. Criteria: Invitae Variant Classification Sherloc (09022015). Collection method: clinical testing. Allele origin: germline.
Comment: This sequence change creates a premature translational stop signal (p.Gln223Hisfs*10) in the PEX12 gene. While this is not anticipated to result in nonsense mediated decay, it is expected to disrupt the last 137 amino acid(s) of the PEX12 protein. This variant is not present in population databases (gnomAD no frequency). This variant has not been reported in the literature in individuals affected with PEX12-related conditions. This variant disrupts a region of the PEX12 protein in which other variant(s) (p.Gln349del) have been determined to be pathogenic (PMID: 15542397, 21031596; Invitae). This suggests that this is a clinically significant region of the protein, and that variants that disrupt it are likely to be disease-causing. For these reasons, this variant has been classified as Pathogenic.

Literature cited by the submitters: PubMed 15542397; PubMed 21031596.